The following is an entry in ClinVar:

ClinVar aggregate classification (germline): Uncertain significance. Review status: criteria provided, multiple submitters, no conflicts (2 of 4 stars). 3 submissions from 3 submitters: Uncertain significance (3). Last evaluated 2025-08-02.

Conditions:
Inborn genetic diseases. Identifiers: MedGen C0950123, MeSH D030342.

Allele frequency attached by ClinVar (database versions not stated): gnomAD 0.00002.
gnomAD v4.1: 5 of 1,613,180 alleles (0.00031%); highest among the groups gnomAD compares: Non-Finnish European, 0.00042%; no homozygotes.

Submissions (3):

Ambry Genetics
Classification: Uncertain significance for Inborn genetic diseases. Last evaluated: 2025-08-02. Review status: criteria provided, single submitter. Criteria: Ambry Variant Classification Scheme 2023. Collection method: clinical testing. Allele origin: germline.

CeGaT Center for Human Genetics Tuebingen
Classification: Uncertain significance. Last evaluated: 2024-02-01. Review status: criteria provided, single submitter. Criteria: CeGaT Center For Human Genetics Tuebingen Variant Classification Criteria Version 2. Collection method: clinical testing. Allele origin: germline. Affected: yes. Observed: 1 variant allele.
Comment: SPG7: PM2

GeneDx
Classification: Uncertain significance. Last evaluated: 2020-02-13. Review status: criteria provided, single submitter. Criteria: GeneDx Variant Classification Process June 2021. Collection method: clinical testing. Allele origin: germline. Affected: yes.
Comment: Not observed in large population cohorts (Lek et al., 2016); In silico analysis supports that this missense variant has a deleterious effect on protein structure/function; Has not been previously published as pathogenic or benign to our knowledge

NM_003119.4(SPG7):c.313A>T (p.Arg105Trp)

Gene: SPG7 (SPG7 matrix AAA peptidase subunit, paraplegin; plus strand). Cytogenetic location: 16q24.3.
Variant type: single nucleotide variant.
Coding change: c.313A>T on transcript NM_003119.4 (MANE Select); coding-DNA position 313, A replaced by T.
Protein change: p.Arg105Trp; replaces arginine 105 with tryptophan.
Molecular consequence: missense variant.
Genome position (GRCh38, 1-based): chr16:89,512,974, A>T. VCF-style: chr16-89512974-A-T. GRCh37 (hg19) VCF-style: chr16-89579382-A-T.
Other names: c.313A>T, p.Arg105Trp (NM_001363850.1, NM_199367.3); short protein forms R105W.
Identifiers: ClinVar variation 1304956 (VCV001304956.25), dbSNP rs374082677, ClinGen allele CA397417021.